The following is an entry in ClinVar:

NM_004360.5(CDH1):c.2465C>T (p.Pro822Leu)

Gene: CDH1 (cadherin 1; plus strand). Cytogenetic location: 16q22.1.
Variant type: single nucleotide variant.
Coding change: c.2465C>T on transcript NM_004360.5 (MANE Select); coding-DNA position 2465, C replaced by T.
Protein change: p.Pro822Leu; replaces proline 822 with leucine.
Molecular consequence: missense variant.
Genome position (GRCh38, 1-based): chr16:68,833,315, C>T. VCF-style: chr16-68833315-C-T. GRCh37 (hg19) VCF-style: chr16-68867218-C-T.
Other names: c.2465C>T (LRG_301t1); c.2282C>T, p.Pro761Leu (NM_001317184.2); c.917C>T, p.Pro306Leu (NM_001317185.2); c.500C>T, p.Pro167Leu (NM_001317186.2); short protein forms P822L, P306L, P167L, P761L.
Identifiers: ClinVar variation 532461 (VCV000532461.10), dbSNP rs1555518215, ClinGen allele CA396472028.

ClinVar aggregate classification (germline): Uncertain significance. Review status: criteria provided, multiple submitters, no conflicts (2 of 4 stars). 2 submissions from 2 submitters: Uncertain significance (2). Last evaluated 2025-07-21.

Conditions:
Hereditary diffuse gastric adenocarcinoma (HDGC). Also called: DIFFUSE GASTRIC AND LOBULAR BREAST CANCER SYNDROME. Identifiers: Orphanet 26106, MedGen C1708349, MONDO:0007648, OMIM 137215.
Hereditary cancer-predisposing syndrome. Also called: Neoplastic Syndromes, Hereditary; Hereditary neoplastic syndrome; Tumor predisposition; Hereditary Cancer Syndrome. Identifiers: Orphanet 140162, MedGen C0027672, MeSH D009386, MONDO:0015356.

gnomAD v4.1: 2 of 1,614,158 alleles (0.00012%); highest among the groups gnomAD compares: Non-Finnish European, 0.00017%; no homozygotes.

Submissions (2):

Labcorp Genetics (formerly Invitae), Labcorp
Classification: Uncertain significance for Hereditary diffuse gastric adenocarcinoma. Last evaluated: 2025-07-21. Review status: criteria provided, single submitter. Criteria: Invitae Variant Classification Sherloc (09022015). Collection method: clinical testing. Allele origin: germline.
Comment: This sequence change replaces proline, which is neutral and non-polar, with leucine, which is neutral and non-polar, at codon 822 of the CDH1 protein (p.Pro822Leu). This variant is not present in population databases (gnomAD no frequency). This variant has not been reported in the literature in individuals affected with CDH1-related conditions. ClinVar contains an entry for this variant (Variation ID: 532461). An algorithm developed to predict the effect of missense changes on protein structure and function (PolyPhen-2) suggests that this variant is likely to be disruptive. In summary, the available evidence is currently insufficient to determine the role of this variant in disease. Therefore, it has been classified as a Variant of Uncertain Significance.

Color Diagnostics, LLC DBA Color Health
Classification: Uncertain significance for Hereditary cancer-predisposing syndrome. Last evaluated: 2023-12-04. Review status: criteria provided, single submitter. Criteria: ACMG Guidelines, 2015. Collection method: clinical testing. Allele origin: germline.
Comment: This missense variant replaces proline with leucine at codon 822 of the CDH1 protein. To our knowledge, functional studies have not been reported for this variant. This variant has not been reported in individuals affected with hereditary cancer in the literature. This variant has not been identified in the general population by the Genome Aggregation Database (gnomAD). The available evidence is insufficient to determine the role of this variant in disease conclusively. Therefore, this variant is classified as a Variant of Uncertain Significance.